The following is an entry in ClinVar:

ClinVar aggregate classification (germline): Pathogenic. Review status: criteria provided, multiple submitters, no conflicts (2 of 4 stars). 4 submissions from 4 submitters: Pathogenic (3). 1 of the submissions does not count toward it. Last evaluated 2025-04-28.

Conditions:
Glycine encephalopathy 1 (GCE1). Identifiers: MedGen CN376801, MONDO:0958179, OMIM 605899.
Glycine encephalopathy. Also called: Nonketotic hyperglycinemia; Non-ketotic hyperglycinemia. Identifiers: Orphanet 407, MedGen C0751748, MONDO:0011612, HP:0008288.

Allele frequency attached by ClinVar (database versions not stated): gnomAD exomes below 0.00001; ExAC 0.00001; gnomAD 0.00001; TOPMed 0.00002.
gnomAD v4.1: 7 of 1,613,738 alleles (0.00043%); highest among the groups gnomAD compares: African/African-American, 0.0027%; no homozygotes.

Submissions (4):

Natera, Inc.
Classification: Pathogenic for Non-ketotic hyperglycinemia. Last evaluated: 2025-04-28. Review status: criteria provided, single submitter. Criteria: Natera Variant Classification Schema (03/2026). Collection method: clinical testing. Allele origin: germline.
Comment: The c.1888C>T variant in GLDC is a nonsense variant predicted to introduce a stop codon at amino acid 630. This variant is expected to result in nonsense mediated decay, truncation, or a dysfunctional protein product. This variant is rare in the general population with a frequency below the threshold expected for the associated phenotype(s). This variant has been observed in one or more individuals affected with the associated recessive disease, as either homozygous or compound heterozygous with a second variant (PMID: 27362913). Given the available evidence, this variant is classified as Pathogenic.

GeneDx
Classification: Pathogenic. Last evaluated: 2024-01-11. Review status: criteria provided, single submitter. Criteria: GeneDx Variant Classification Process June 2021. Collection method: clinical testing. Allele origin: germline. Affected: yes.
Comment: Nonsense variant predicted to result in protein truncation or nonsense mediated decay in a gene for which loss of function is a known mechanism of disease; Not observed at significant frequency in large population cohorts (gnomAD); This variant is associated with the following publications: (PMID: 31589614, 27362913)

Labcorp Genetics (formerly Invitae), Labcorp
Classification: Pathogenic for Glycine encephalopathy. Last evaluated: 2023-06-05. Review status: criteria provided, single submitter. Criteria: Invitae Variant Classification Sherloc (09022015). Collection method: clinical testing. Allele origin: germline.
Comment: This variant is present in population databases (rs751025203, gnomAD 0.008%). This sequence change creates a premature translational stop signal (p.Arg630*) in the GLDC gene. It is expected to result in an absent or disrupted protein product. Loss-of-function variants in GLDC are known to be pathogenic (PMID: 16601880). For these reasons, this variant has been classified as Pathogenic. Algorithms developed to predict the effect of sequence changes on RNA splicing suggest that this variant may disrupt the consensus splice site. ClinVar contains an entry for this variant (Variation ID: 554522). This premature translational stop signal has been observed in individual(s) with glycine encephalopathy (PMID: 27362913).

Counsyl
Classification: Pathogenic for Glycine encephalopathy 1. Last evaluated: 2017-10-24. Review status: no assertion criteria provided. Collection method: clinical testing. Allele origin: unknown. Not counted in ClinVar's aggregate classification.

Literature cited by the submitters: PubMed 27362913 (cited by 3 submitters); PubMed 16601880 (cited by Labcorp Genetics (formerly Invitae), Labcorp).

NM_000170.3(GLDC):c.1888C>T (p.Arg630Ter)

Gene: GLDC (glycine decarboxylase; minus strand). Cytogenetic location: 9p24.1.
Variant type: single nucleotide variant.
Coding change: c.1888C>T on transcript NM_000170.3 (MANE Select); coding-DNA position 1888, C replaced by T.
Protein change: p.Arg630Ter; replaces arginine 630 with a stop codon.
Molecular consequence: nonsense.
Genome position (GRCh38, 1-based): chr9:6,565,392, G>A on the plus strand (C>T on the coding strand, the complement: GLDC is on the minus strand). VCF-style: chr9-6565392-G-A. GRCh37 (hg19) VCF-style: chr9-6565392-G-A.
Other names: short protein forms R630*.
Identifiers: ClinVar variation 554522 (VCV000554522.11), dbSNP rs751025203, ClinGen allele CA4980491.